The following is an entry in ClinVar:

NM_005245.4(FAT1):c.1343A>C (p.Lys448Thr)

Gene: FAT1 (FAT atypical cadherin 1; minus strand). Cytogenetic location: 4q35.2.
Variant type: single nucleotide variant.
Coding change: c.1343A>C on transcript NM_005245.4 (MANE Select); coding-DNA position 1343, A replaced by C.
Protein change: p.Lys448Thr; replaces lysine 448 with threonine.
Molecular consequence: missense variant.
Genome position (GRCh38, 1-based): chr4:186,708,485, T>G on the plus strand (A>C on the coding strand, the complement: FAT1 is on the minus strand). VCF-style: chr4-186708485-T-G. GRCh37 (hg19) VCF-style: chr4-187629639-T-G.
Other names: c.1343A>C (NM_005245.3); short protein forms K448T.
Identifiers: ClinVar variation 3678740 (VCV003678740.3).

ClinVar aggregate classification (germline): Uncertain significance. Review status: criteria provided, multiple submitters, no conflicts (2 of 4 stars). 2 submissions from 2 submitters: Uncertain significance (2). Last evaluated 2025-06-12.

Conditions:
Inborn genetic diseases. Identifiers: MedGen C0950123, MeSH D030342.

gnomAD v4.1: 5 of 1,613,868 alleles (0.00031%); highest among the groups gnomAD compares: African/African-American, 0.0067%; no homozygotes.

Submissions (2):

Labcorp Genetics (formerly Invitae), Labcorp
Classification: Uncertain significance. Last evaluated: 2025-06-12. Review status: criteria provided, single submitter. Criteria: Invitae Variant Classification Sherloc (09022015). Collection method: clinical testing. Allele origin: germline.
Comment: This sequence change replaces lysine, which is basic and polar, with threonine, which is neutral and polar, at codon 448 of the FAT1 protein (p.Lys448Thr). This variant is present in population databases (no rsID available, gnomAD 0.01%). This variant has not been reported in the literature in individuals affected with FAT1-related conditions. ClinVar contains an entry for this variant (Variation ID: 3678740). An algorithm developed to predict the effect of missense changes on protein structure and function (PolyPhen-2) suggests that this variant is likely to be tolerated. In summary, the available evidence is currently insufficient to determine the role of this variant in disease. Therefore, it has been classified as a Variant of Uncertain Significance.

Ambry Genetics
Classification: Uncertain significance for Inborn genetic diseases. Last evaluated: 2025-04-11. Review status: criteria provided, single submitter. Criteria: Ambry Variant Classification Scheme 2023. Collection method: clinical testing. Allele origin: germline.